The following is an entry in ClinVar:

ClinVar aggregate classification (germline): Uncertain significance. Review status: criteria provided, multiple submitters, no conflicts (2 of 4 stars). 2 submissions from 2 submitters: Uncertain significance (2). Last evaluated 2025-11-27.

Conditions:
Myofibrillar myopathy 4. Also called: Zaspopathy (type). Identifiers: Orphanet 98912, MedGen C4721886, MONDO:0012277, OMIM 609452.

Allele frequency attached by ClinVar (database versions not stated): gnomAD exomes 0.00001 and 0.00002; ExAC 0.00002.
gnomAD v4.1: 14 of 1,614,062 alleles (0.00087%); highest among the groups gnomAD compares: Non-Finnish European, 0.00068%; no homozygotes.

Submissions (2):

Labcorp Genetics (formerly Invitae), Labcorp
Classification: Uncertain significance for Myofibrillar myopathy 4. Last evaluated: 2025-11-27. Review status: criteria provided, single submitter. Criteria: Invitae Variant Classification Sherloc (09022015). Collection method: clinical testing. Allele origin: germline.
Comment: This sequence change replaces arginine, which is basic and polar, with cysteine, which is neutral and slightly polar, at codon 85 of the LDB3 protein (p.Arg85Cys). This variant is present in population databases (rs780200228, gnomAD 0.009%). This variant has not been reported in the literature in individuals affected with LDB3-related conditions. ClinVar contains an entry for this variant (Variation ID: 391892). An algorithm developed to predict the effect of missense changes on protein structure and function (PolyPhen-2) suggests that this variant is likely to be disruptive. In summary, the available evidence is currently insufficient to determine the role of this variant in disease. Therefore, it has been classified as a Variant of Uncertain Significance.

GeneDx
Classification: Uncertain significance. Last evaluated: 2016-12-19. Review status: criteria provided, single submitter. Criteria: GeneDx Variant Classification (06012015). Collection method: clinical testing. Allele origin: germline. Affected: yes.
Comment: A variant of uncertain significance has been identified in the LDB3 gene. The R85C variant has not been published as a pathogenic variant, nor has it been reported as a benign variant to our knowledge. R85C was not observed in approximately 6,500 individuals of European and African American ancestry in the NHLBI Exome Sequencing Project, and it was not observed with any significant frequency in the Exome Aggregation Consortium (ExAC). The R85C variant is a non-conservative amino acid substitution, which is likely to impact secondary protein structure as these residues differ in polarity, charge, size and/or other properties. Moreover, this substitution occurs at a position that is conserved across species, and in silico analysis predicts this variant is probably damaging to the protein structure/function. Nevertheless, no pathogenic missense variants in nearby residues have been reported in the Human Gene Mutation Database (Stenson et al., 2014), indicating that this region of the gene is not known to harbor disease-causing variants.Therefore, based on the currently available information, it is unclear whether this variant is pathogenic or rare benign. This result cannot be interpreted for diagnosis or used for family member screening at this time.

NM_007078.3(LDB3):c.253C>T (p.Arg85Cys)

Gene: LDB3 (LIM domain binding 3; plus strand). Cytogenetic location: 10q23.2.
Variant type: single nucleotide variant.
Coding change: c.253C>T on transcript NM_007078.3 (MANE Select); coding-DNA position 253, C replaced by T.
Protein change: p.Arg85Cys; replaces arginine 85 with cysteine.
Molecular consequence: missense variant.
Genome position (GRCh38, 1-based): chr10:86,680,089, C>T. VCF-style: chr10-86680089-C-T. GRCh37 (hg19) VCF-style: chr10-88439846-C-T.
Other names: c.253C>T, p.Arg85Cys (NM_001080114.2, NM_001080115.2, NM_001080116.1 and 8 more transcripts); short protein forms R85C.
Identifiers: ClinVar variation 391892 (VCV000391892.4), dbSNP rs780200228, ClinGen allele CA5584633.
Genomic context (GRCh38, chr10:86,680,089, plus strand): 5'-CTTCTGGCCCCAGGGGCAACTTCCTCACCTGGTCTCATTTCTGGTTTCTACAGATCAAAG[C>T]GTCCCATTCCCATCTCCACGACAGCACCTCCAGTCCAGACCCCTCTGCCGGTGATCCCTC-3'
Protein context (NP_009009.1, residues 75-95): NLSLTLQKSK[Arg85Cys]PIPISTTAPP